The following is an entry in ClinVar:

ClinVar aggregate classification (germline): Uncertain significance (1 of 4 stars; one submission).

Allele frequency attached by ClinVar (database versions not stated): gnomAD exomes below 0.00001.
gnomAD v4.1: 1 of 1,612,110 alleles (0.000062%); highest among the groups gnomAD compares: African/African-American, 0.0013%; no homozygotes.

Submission:

Labcorp Genetics (formerly Invitae), Labcorp
Classification: Uncertain significance. Last evaluated: 2022-03-25. Review status: criteria provided, single submitter. Criteria: Invitae Variant Classification Sherloc (09022015). Collection method: clinical testing. Allele origin: germline.
Comment: In summary, the available evidence is currently insufficient to determine the role of this variant in disease. Therefore, it has been classified as a Variant of Uncertain Significance. Algorithms developed to predict the effect of missense changes on protein structure and function (SIFT, PolyPhen-2, Align-GVGD) all suggest that this variant is likely to be tolerated. This variant has not been reported in the literature in individuals affected with SBF1-related conditions. This variant is not present in population databases (gnomAD no frequency). This sequence change replaces alanine, which is neutral and non-polar, with serine, which is neutral and polar, at codon 533 of the SBF1 protein (p.Ala533Ser).

NM_002972.4(SBF1):c.1597G>T (p.Ala533Ser)

Gene: SBF1 (SET binding factor 1; minus strand). Cytogenetic location: 22q13.33.
Variant type: single nucleotide variant.
Coding change: c.1597G>T on transcript NM_002972.4 (MANE Select); coding-DNA position 1597, G replaced by T.
Protein change: p.Ala533Ser; replaces alanine 533 with serine.
Molecular consequence: missense variant.
Genome position (GRCh38, 1-based): chr22:50,464,573, C>A on the plus strand (G>T on the coding strand, the complement: SBF1 is on the minus strand). VCF-style: chr22-50464573-C-A. GRCh37 (hg19) VCF-style: chr22-50903002-C-A.
Other names: c.1600G>T, p.Ala534Ser (NM_001365819.1, NM_001410794.1); c.1597G>T, p.Ala533Ser (NM_001410795.1, NM_197971.1); short protein forms A534S, A533S.
Identifiers: ClinVar variation 1934550 (VCV001934550.5), dbSNP rs2521986491, ClinGen allele CA412217510.